The following is an entry in ClinVar:

ClinVar aggregate classification (germline): Pathogenic (1 of 4 stars; one submission).

Conditions:
Spongy degeneration of central nervous system. Also called: ACY2 DEFICIENCY; AMINOACYLASE 2 DEFICIENCY; ASP DEFICIENCY; ASPA DEFICIENCY; ASPARTOACYLASE DEFICIENCY; CANAVAN-VAN BOGAERT-BERTRAND DISEASE. Identifiers: Orphanet 141, MedGen C0206307, MONDO:0010079, OMIM 271900.

Submission:

Labcorp Genetics (formerly Invitae), Labcorp
Classification: Pathogenic for Spongy degeneration of central nervous system. Last evaluated: 2022-09-29. Review status: criteria provided, single submitter. Criteria: Invitae Variant Classification Sherloc (09022015). Collection method: clinical testing. Allele origin: germline.
Comment: For these reasons, this variant has been classified as Pathogenic. This variant has not been reported in the literature in individuals affected with ASPA-related conditions. This variant is not present in population databases (gnomAD no frequency). This sequence change creates a premature translational stop signal (p.Asp193Ilefs*3) in the ASPA gene. It is expected to result in an absent or disrupted protein product. Loss-of-function variants in ASPA are known to be pathogenic (PMID: 12638939).

Literature cited by the submitters: PubMed 12638939.

NM_000049.4(ASPA):c.577del (p.Asp193fs)

Genes: ASPA (aspartoacylase; plus strand), SPATA22 (spermatogenesis associated 22; minus strand). Cytogenetic location: 17p13.2.
Variant type: Deletion.
Coding change: c.577del on transcript NM_000049.4 (MANE Select); coding-DNA position 577, one base deleted (G; older notation c.577delG).
Protein change: p.Asp193fs; shifts the reading frame from aspartic acid 193.
Molecular consequence: frameshift variant. On other transcripts: intron variant (2).
Genome position (GRCh38, 1-based): chr17:3,489,285, G deleted; the last of 2 consecutive G bases (chr17:3,489,284-3,489,285); deleting either gives the same sequence. VCF-style (leftmost placement, unchanged base first): chr17-3489283-TG-T. GRCh37 (hg19) VCF-style: chr17-3392577-TG-T.
Other names: c.577del, p.Asp193fs (NM_001128085.1); c.-73-19886del (NM_001321336.2, NM_001321337.2); short protein forms D193fs.
Identifiers: ClinVar variation 2033374 (VCV002033374.4), dbSNP rs2543636229, ClinGen allele CA2580092539.
Genomic context (GRCh38, chr17:3,489,283, plus strand): 5'-TTCTGTACCTAGGTATAGAAGTTGGTCCTCAGCCTCAAGGGGTTCTGAGAGCTGATATCT[TG>T]GATCAAATGAGAAAAATGATTAAACATGCTCTTGATTTTATACATCATTTCAATGAAGGT-3'